The following is an entry in ClinVar:

NM_016030.6(TRAPPC12):c.919A>G (p.Asn307Asp)

Gene: TRAPPC12 (trafficking protein particle complex subunit 12; plus strand). Cytogenetic location: 2p25.3.
Variant type: single nucleotide variant.
Coding change: c.919A>G on transcript NM_016030.6 (MANE Select); coding-DNA position 919, A replaced by G.
Protein change: p.Asn307Asp; replaces asparagine 307 with aspartic acid.
Molecular consequence: missense variant.
Genome position (GRCh38, 1-based): chr2:3,388,542, A>G. VCF-style: chr2-3388542-A-G. GRCh37 (hg19) VCF-style: chr2-3392313-A-G.
Other names: c.919A>G, p.Asn307Asp (NM_001321102.2); c.919A>G (NM_016030.5); short protein forms N307D.
Identifiers: ClinVar variation 4849049 (VCV004849049.2).

ClinVar aggregate classification (germline): Uncertain significance. Review status: criteria provided, multiple submitters, no conflicts (2 of 4 stars). 2 submissions from 2 submitters: Uncertain significance (2). Last evaluated 2026-09-08.

Conditions:
TRAPPC12-related disorder. Also called: TRAPPC12-related condition.

Submissions (2):

PreventionGenetics, part of Exact Sciences
Classification: Uncertain significance for TRAPPC12-related condition. Last evaluated: 2026-09-08. Review status: criteria provided, single submitter. Criteria: ACMG Guidelines, 2015. Collection method: clinical testing. Allele origin: germline.
Comment: The TRAPPC12 c.919A>G variant is predicted to result in the amino acid substitution p.Asn307Asp. To our knowledge, this variant has not been reported in the literature or in a large population database (gnomAD), indicating this variant is rare. At this time, the clinical significance of this variant is uncertain due to the absence of conclusive functional and genetic evidence.

Women's Health and Genetics/Laboratory Corporation of America, LabCorp
Classification: Uncertain significance. Last evaluated: 2026-04-27. Review status: criteria provided, single submitter. Criteria: LabCorp Variant Classification Summary - May 2015. Collection method: clinical testing. Allele origin: germline.
Comment: Variant summary: TRAPPC12 c.919A>G (p.Asn307Asp) results in a conservative amino acid change in the encoded protein sequence. Algorithms developed to predict the effect of missense changes on protein structure and function all suggest that this variant is likely to be tolerated. The frequency data for this variant in gnomAD is considered unreliable, as metrics indicate poor data quality at this position. To our knowledge, no occurrence of c.919A>G in individuals affected with TRAPPC12-related conditions and no experimental evidence demonstrating its impact on protein function have been reported. No submitters have cited clinical-significance assessments for this variant to ClinVar. Based on the evidence outlined above, the variant was classified as uncertain significance.